The following is an entry in ClinVar:

NM_024529.5(CDC73):c.1030G>C (p.Val344Leu)

Gene: CDC73 (cell division cycle 73; plus strand). Cytogenetic location: 1q31.2.
Variant type: single nucleotide variant.
Coding change: c.1030G>C on transcript NM_024529.5 (MANE Select); coding-DNA position 1030, G replaced by C.
Protein change: p.Val344Leu; replaces valine 344 with leucine.
Molecular consequence: missense variant.
Genome position (GRCh38, 1-based): chr1:193,203,852, G>C. VCF-style: chr1-193203852-G-C. GRCh37 (hg19) VCF-style: chr1-193172982-G-C.
Other names: short protein forms V344L.
Identifiers: ClinVar variation 4223490 (VCV004223490.1).

ClinVar aggregate classification (germline): Uncertain significance (1 of 4 stars; one submission).

Conditions:
Hereditary cancer-predisposing syndrome. Also called: Hereditary Cancer Syndrome; Hereditary neoplastic syndrome; Neoplastic Syndromes, Hereditary; Tumor predisposition. Identifiers: Orphanet 140162, MedGen C0027672, MeSH D009386, MONDO:0015356.

Submission:

Ambry Genetics
Classification: Uncertain significance for Hereditary cancer-predisposing syndrome. Last evaluated: 2025-09-11. Review status: criteria provided, single submitter. Criteria: Ambry Variant Classification Scheme 2023. Collection method: clinical testing. Allele origin: germline.
Comment: The c.1030G>C variant (also known as p.V344L), located in coding exon 11 of the CDC73 gene, results from a G to C substitution at nucleotide position 1030. The amino acid change results in valine to leucine at codon 344, an amino acid with highly similar properties. However, this change occurs in the last base pair of coding exon 11, which makes it likely to have some effect on normal mRNA splicing. This nucleotide position is highly conserved in available vertebrate species. In silico splice site analysis predicts that this alteration will weaken the native splice donor site; however, direct evidence is insufficient at this time (Ambry internal data). Based on the available evidence, the clinical significance of this variant remains unclear.